The following is an entry in ClinVar:

NM_000284.4(PDHA1):c.511-18G>A

Gene: PDHA1 (pyruvate dehydrogenase E1 subunit alpha 1; plus strand). Cytogenetic location: Xp22.12.
Variant type: single nucleotide variant.
Coding change: c.511-18G>A on transcript NM_000284.4 (MANE Select); 18 bases into the intron before coding-DNA position 511, G replaced by A.
Molecular consequence: intron variant.
Genome position (GRCh38, 1-based): chrX:19,354,473, G>A. VCF-style: chrX-19354473-G-A. GRCh37 (hg19) VCF-style: chrX-19372591-G-A.
Other names: c.625-18G>A (NM_001173454.2); c.532-18G>A (NM_001173455.2); c.511-876G>A (NM_001173456.2).
Identifiers: ClinVar variation 4854620 (VCV004854620.1).
Genomic context (GRCh38, chrX:19,354,473, plus strand): 5'-AGTGAAAATGCAGGGCATTAATTAGTATCTCCCCTCATGGATTTCTGTGGTTCCTTTCTC[G>A]GTTGTCCTTAATGTTAGGTGCCCCTGGGCGCTGGGATTGCTCTAGCCTGTAAGTATAATG-3'

ClinVar aggregate classification (germline): Uncertain significance (1 of 4 stars; one submission).

Conditions:
Pyruvate dehydrogenase E1-alpha deficiency (PDHAD). Also called: ATAXIA, INTERMITTENT, WITH PYRUVATE DEHYDROGENASE DEFICIENCY; ATAXIA WITH LACTIC ACIDOSIS I; ATAXIA, INTERMITTENT, WITH ABNORMAL PYRUVATE METABOLISM; Ataxia, intermittent, with pyruvate dehydrogenase, or decarboxylase, deficiency. Identifiers: Orphanet 79243, MedGen C1839413, MONDO:0010717, OMIM 312170.

Submission:

3billion
Classification: Uncertain significance for Pyruvate dehydrogenase E1-alpha deficiency. Last evaluated: 2025-07-30. Review status: criteria provided, single submitter. Criteria: ACMG Guidelines, 2015. Collection method: clinical testing. Allele origin: germline. Affected: yes.
Comment: The variant is not observed in the gnomAD v4.1.0 dataset. Predicted Consequence/Location: Intron variant In silico tools predict the variant to alter splicing and produce an abnormal transcript [SpliceAI: 0.66 (>=0.2, moderate evidence for spliceogenicity)]. Therefore, this variant is classified as VUS according to the recommendation of ACMG/AMP guideline.